The following is an entry in ClinVar:

ClinVar aggregate classification (germline): Uncertain significance (1 of 4 stars; one submission).

Conditions:
Spastic ataxia 2. Also called: Ataxia, spastic, 2, autosomal recessive. Identifiers: Orphanet 397946, MedGen C1969796, MONDO:0012651, OMIM 611302.

Submission:

Labcorp Genetics (formerly Invitae), Labcorp
Classification: Uncertain significance for Spastic ataxia 2. Last evaluated: 2018-04-17. Review status: criteria provided, single submitter. Criteria: Invitae Variant Classification Sherloc (09022015). Collection method: clinical testing. Allele origin: germline.
Comment: This sequence change replaces methionine with isoleucine at codon 441 of the KIF1C protein (p.Met441Ile). The methionine residue is highly conserved and there is a small physicochemical difference between methionine and isoleucine. This variant is not present in population databases (ExAC no frequency). This variant has not been reported in the literature in individuals with KIF1C-related disease. Algorithms developed to predict the effect of missense changes on protein structure and function output the following: SIFT: "Deleterious"; PolyPhen-2: "Benign"; Align-GVGD: "Class C0". The isoleucine amino acid residue is found in multiple mammalian species, suggesting that this missense change does not adversely affect protein function. These predictions have not been confirmed by published functional studies and their clinical significance is uncertain. In summary, the available evidence is currently insufficient to determine the role of this variant in disease. Therefore, it has been classified as a Variant of Uncertain Significance.

NM_006612.6(KIF1C):c.1323G>T (p.Met441Ile)

Gene: KIF1C (kinesin family member 1C; plus strand). Cytogenetic location: 17p13.2.
Variant type: single nucleotide variant.
Coding change: c.1323G>T on transcript NM_006612.6 (MANE Select); coding-DNA position 1323, G replaced by T.
Protein change: p.Met441Ile; replaces methionine 441 with isoleucine.
Molecular consequence: missense variant.
Genome position (GRCh38, 1-based): chr17:5,007,072, G>T. VCF-style: chr17-5007072-G-T. GRCh37 (hg19) VCF-style: chr17-4910367-G-T.
Other names: short protein forms M441I.
Identifiers: ClinVar variation 577183 (VCV000577183.8), dbSNP rs1567722733, ClinGen allele CA397349381.